The following is an entry in ClinVar:

ClinVar aggregate classification (germline): Uncertain significance. Review status: criteria provided, multiple submitters, no conflicts (2 of 4 stars). 2 submissions from 2 submitters: Uncertain significance (2). Last evaluated 2025-02-20.

Allele frequency attached by ClinVar (database versions not stated): ExAC 0.00002.

Submissions (2):

Labcorp Genetics (formerly Invitae), Labcorp
Classification: Uncertain significance. Last evaluated: 2025-02-20. Review status: criteria provided, single submitter. Criteria: Invitae Variant Classification Sherloc (09022015). Collection method: clinical testing. Allele origin: germline.
Comment: This sequence change replaces isoleucine, which is neutral and non-polar, with threonine, which is neutral and polar, at codon 426 of the GUF1 protein (p.Ile426Thr). This variant is present in population databases (rs768666218, gnomAD no frequency). This variant has not been reported in the literature in individuals affected with GUF1-related conditions. ClinVar contains an entry for this variant (Variation ID: 1444737). Invitae Evidence Modeling of protein sequence and biophysical properties (such as structural, functional, and spatial information, amino acid conservation, physicochemical variation, residue mobility, and thermodynamic stability) indicates that this missense variant is not expected to disrupt GUF1 protein function with a negative predictive value of 80%. In summary, the available evidence is currently insufficient to determine the role of this variant in disease. Therefore, it has been classified as a Variant of Uncertain Significance.

Ambry Genetics
Classification: Uncertain significance. Last evaluated: 2023-11-03. Review status: criteria provided, single submitter. Criteria: Ambry Variant Classification Scheme 2023. Collection method: clinical testing. Allele origin: germline.

NM_021927.3(GUF1):c.1277T>C (p.Ile426Thr)

Gene: GUF1 (GTP binding elongation factor GUF1; plus strand). Cytogenetic location: 4p12.
Variant type: single nucleotide variant.
Coding change: c.1277T>C on transcript NM_021927.3 (MANE Select); coding-DNA position 1277, T replaced by C.
Protein change: p.Ile426Thr; replaces isoleucine 426 with threonine.
Molecular consequence: missense variant.
Genome position (GRCh38, 1-based): chr4:44,689,917, T>C. VCF-style: chr4-44689917-T-C. GRCh37 (hg19) VCF-style: chr4-44691934-T-C.
Other names: c.305T>C, p.Ile102Thr (NM_001345867.2, NM_001345869.2); c.1277T>C, p.Ile426Thr (NM_001345868.2); c.1277T>C (NM_021927.2); short protein forms I426T, I102T.
Identifiers: ClinVar variation 1444737 (VCV001444737.9), dbSNP rs768666218, ClinGen allele CA2905593.